The following is an entry in ClinVar:

ClinVar aggregate classification (germline): Uncertain significance (1 of 4 stars; one submission).

Conditions:
Cardiovascular phenotype. Identifiers: MedGen CN230736.

Submission:

Ambry Genetics
Classification: Uncertain significance for Cardiovascular phenotype. Last evaluated: 2024-04-28. Review status: criteria provided, single submitter. Criteria: Ambry Variant Classification Scheme 2023. Collection method: clinical testing. Allele origin: germline.
Comment: The p.F411L variant (also known as c.1233C>G), located in coding exon 9 of the ABCG8 gene, results from a C to G substitution at nucleotide position 1233. The phenylalanine at codon 411 is replaced by leucine, an amino acid with highly similar properties. This amino acid position is conserved. In addition, this alteration is predicted to be tolerated by in silico analysis. Based on the available evidence, the clinical significance of this variant remains unclear.

NM_022437.3(ABCG8):c.1233C>G (p.Phe411Leu)

Gene: ABCG8 (ATP binding cassette subfamily G member 8; plus strand). Cytogenetic location: 2p21.
Variant type: single nucleotide variant.
Coding change: c.1233C>G on transcript NM_022437.3 (MANE Select); coding-DNA position 1233, C replaced by G.
Protein change: p.Phe411Leu; replaces phenylalanine 411 with leucine.
Molecular consequence: missense variant.
Genome position (GRCh38, 1-based): chr2:43,873,808, C>G. VCF-style: chr2-43873808-C-G. GRCh37 (hg19) VCF-style: chr2-44100947-C-G.
Other names: c.1230C>G, p.Phe410Leu (NM_001357321.2); short protein forms F411L, F410L.
Identifiers: ClinVar variation 3313449 (VCV003313449.1).